The following is an entry in ClinVar:

ClinVar aggregate classification (germline): Benign/Likely benign. Review status: criteria provided, multiple submitters, no conflicts (2 of 4 stars). 2 submissions from 2 submitters: Benign (1); Likely benign (1). Last evaluated 2026-01-11.

Conditions:
Familial adenomatous polyposis 1 (FAP1). Also called: FAMILIAL ADENOMATOUS POLYPOSIS 1, ATTENUATED; POLYPOSIS, ADENOMATOUS INTESTINAL. Identifiers: MedGen C2713442, MONDO:0021056, OMIM 175100. Disease mechanism: loss of function.

Submissions (2):

Labcorp Genetics (formerly Invitae), Labcorp
Classification: Likely benign for Familial adenomatous polyposis 1. Last evaluated: 2026-01-11. Review status: criteria provided, single submitter. Criteria: Invitae Variant Classification Sherloc (09022015). Collection method: clinical testing. Allele origin: germline.

Myriad Genetics, Inc.
Classification: Benign for Familial adenomatous polyposis 1. Last evaluated: 2024-04-08. Review status: criteria provided, single submitter. Criteria: Myriad Autosomal Dominant, Autosomal Recessive and X-Linked Classification Criteria (2023). Collection method: clinical testing. Allele origin: unknown.
Comment: This variant is considered benign. This variant is a silent/synonymous amino acid change and it is not expected to impact splicing.

NM_000038.6(APC):c.7047A>T (p.Ser2349=)

Gene: APC (APC regulator of Wnt signaling pathway; plus strand). Cytogenetic location: 5q22.2.
Variant type: single nucleotide variant.
Coding change: c.7047A>T on transcript NM_000038.6 (MANE Select); coding-DNA position 7047, A replaced by T.
Protein change: p.Ser2349=; no amino-acid change (serine 2349 retained).
Molecular consequence: synonymous variant.
Genome position (GRCh38, 1-based): chr5:112,842,641, A>T. VCF-style: chr5-112842641-A-T. GRCh37 (hg19) VCF-style: chr5-112178338-A-T.
Other names: c.7047A>T, p.Ser2349= (NM_001127510.3, NM_001354895.2); c.6993A>T, p.Ser2331= (NM_001127511.3); c.7101A>T, p.Ser2367= (NM_001354896.2); c.7077A>T, p.Ser2359= (NM_001354897.2); c.6972A>T, p.Ser2324= (NM_001354898.2); c.6963A>T, p.Ser2321= (NM_001354899.2); c.6924A>T, p.Ser2308= (NM_001354900.2); c.6870A>T, p.Ser2290= (NM_001354901.2); and 5 more.
Identifiers: ClinVar variation 752439 (VCV000752439.12), dbSNP rs1274342268, ClinGen allele CA446210792.